The following is an entry in ClinVar:

NM_001387283.1(SMARCA4):c.4253C>T (p.Thr1418Ile)

Gene: SMARCA4 (SWI/SNF related BAF chromatin remodeling complex subunit ATPase 4; plus strand). Cytogenetic location: 19p13.2.
Variant type: single nucleotide variant.
Coding change: c.4253C>T on transcript NM_001387283.1 (MANE Plus Clinical); coding-DNA position 4253, C replaced by T.
Protein change: p.Thr1418Ile; replaces threonine 1418 with isoleucine.
Molecular consequence: missense variant. On other transcripts: intron variant (7).
Genome position (GRCh38, 1-based): chr19:11,039,540, C>T. VCF-style: chr19-11039540-C-T. GRCh37 (hg19) VCF-style: chr19-11150216-C-T.
Other names: c.4253C>T, p.Thr1418Ile (NM_001128849.3); c.4171-1767C>T (NM_001128844.3, NM_003072.5); c.4072-1767C>T (NM_001128847.4, NM_001374457.1, NM_001128848.2); c.4072-1758C>T (NM_001128845.2, NM_001128846.2); short protein forms T1418I.
Identifiers: ClinVar variation 408693 (VCV000408693.13), dbSNP rs1060502100, ClinGen allele CA16615983.
Genomic context (GRCh38, chr19:11,039,540, plus strand): 5'-ATGACACAGCCAGCAGTGTGGCACGTGGGCTACAATTCCAGCGTGGCCTTCAGTTCTGCA[C>T]ACGTGCGTCAAAGGTGGGGAGAGTTCTGGTGGTGGGTGGCGCTGAGGGCTGCACAACACT-3'
Protein context (NP_001374212.1, residues 1408-1428): LQFQRGLQFC[Thr1418Ile]RASKAIEEGT

ClinVar aggregate classification (germline): Conflicting classifications of pathogenicity. Review status: criteria provided, conflicting classifications (1 of 4 stars). 2 submissions from 2 submitters: Uncertain significance (1); Likely benign (1). Last evaluated 2024-04-05.

Conditions:
Hereditary cancer-predisposing syndrome. Also called: Hereditary Cancer Syndrome; Hereditary neoplastic syndrome; Neoplastic Syndromes, Hereditary; Tumor predisposition. Identifiers: Orphanet 140162, MedGen C0027672, MeSH D009386, MONDO:0015356.
Rhabdoid tumor predisposition syndrome 2 (RTPS2). Identifiers: Orphanet 231108, Orphanet 69077, MedGen C2750074, MONDO:0013224, OMIM 613325.

Allele frequency attached by ClinVar (database versions not stated): gnomAD exomes below 0.00001.
gnomAD v4.1: 1 of 1,598,436 alleles (0.000063%); highest among the groups gnomAD compares: African/African-American, 0.0013%; no homozygotes.

Submissions (2):

Labcorp Genetics (formerly Invitae), Labcorp
Classification: Uncertain significance for Rhabdoid tumor predisposition syndrome 2. Last evaluated: 2024-04-05. Review status: criteria provided, single submitter. Criteria: Invitae Variant Classification Sherloc (09022015). Collection method: clinical testing. Allele origin: germline.
Comment: This sequence change replaces threonine, which is neutral and polar, with isoleucine, which is neutral and non-polar, at codon 1418 of the SMARCA4 protein (p.Thr1418Ile). This variant is not present in population databases (gnomAD no frequency). This variant has not been reported in the literature in individuals affected with SMARCA4-related conditions. ClinVar contains an entry for this variant (Variation ID: 408693). An algorithm developed to predict the effect of missense changes on protein structure and function (PolyPhen-2) suggests that this variant is likely to be tolerated. In summary, the available evidence is currently insufficient to determine the role of this variant in disease. Therefore, it has been classified as a Variant of Uncertain Significance.

Ambry Genetics
Classification: Likely benign for Hereditary cancer-predisposing syndrome. Last evaluated: 2023-04-28. Review status: criteria provided, single submitter. Criteria: Ambry Variant Classification Scheme 2023. Collection method: clinical testing. Allele origin: germline.